The following is an entry in ClinVar:

ClinVar aggregate classification (germline): Uncertain significance (1 of 4 stars; one submission).

Submission:

CeGaT Center for Human Genetics Tuebingen
Classification: Uncertain significance. Last evaluated: 2023-11-01. Review status: criteria provided, single submitter. Criteria: CeGaT Center For Human Genetics Tuebingen Variant Classification Criteria Version 2. Collection method: clinical testing. Allele origin: germline. Affected: yes. Observed: 1 variant allele.
Comment: ZAN: PM2, BP4

NM_003386.3(ZAN):c.6596C>G (p.Pro2199Arg)

Gene: ZAN (zonadhesin; plus strand). Cytogenetic location: 7q22.1.
Variant type: single nucleotide variant.
Coding change: c.6596C>G on transcript NM_003386.3 (MANE Select); coding-DNA position 6596, C replaced by G.
Protein change: p.Pro2199Arg; replaces proline 2199 with arginine.
Molecular consequence: missense variant. On other transcripts: non-coding transcript variant (3).
Genome position (GRCh38, 1-based): chr7:100,779,724, C>G. VCF-style: chr7-100779724-C-G. GRCh37 (hg19) VCF-style: chr7-100377346-C-G.
Other names: c.6596C>G, p.Pro2199Arg (NM_173059.3); short protein forms P2199R.
Identifiers: ClinVar variation 2673117 (VCV002673117.23), dbSNP rs187035372, ClinGen allele CA368558387.
Genomic context (GRCh38, chr7:100,779,724, plus strand): 5'-CCCTCTGCCAGGCTCTGCAAGCCTTCGGGGCCACCTGCCAGAGCCAGGGGCTCAAGCCCC[C>G]ACTCTGGAGAAACAGCAGCTTCTGCCGTGAGTGTGCCCTGCTGTCACCCCAAACCCCTCC-3'
Protein context (NP_003377.2, residues 2189-2209): ATCQSQGLKP[Pro2199Arg]LWRNSSFCPL